The following is an entry in ClinVar:

ClinVar aggregate classification (germline): Pathogenic (1 of 4 stars; one submission).

Conditions:
Tuberous sclerosis 2 (TSC2). Identifiers: Orphanet 805, MedGen C1860707, MONDO:0013199, OMIM 613254.

Submission:

Labcorp Genetics (formerly Invitae), Labcorp
Classification: Pathogenic for Tuberous sclerosis 2. Last evaluated: 2023-09-12. Review status: criteria provided, single submitter. Criteria: Invitae Variant Classification Sherloc (09022015). Collection method: clinical testing. Allele origin: germline.
Comment: This variant disrupts a region of the TSC2 protein in which other variant(s) (p.His1746_Arg1751del) have been determined to be pathogenic (PMID: 9829910, 16114042, 21309039, 31591157). This suggests that this is a clinically significant region of the protein, and that variants that disrupt it are likely to be disease-causing. For these reasons, this variant has been classified as Pathogenic. This variant has not been reported in the literature in individuals affected with TSC2-related conditions. This variant is not present in population databases (gnomAD no frequency). This sequence change creates a premature translational stop signal (p.Ile1741Aspfs*34) in the TSC2 gene. While this is not anticipated to result in nonsense mediated decay, it is expected to disrupt the last 67 amino acid(s) of the TSC2 protein.

Literature cited by the submitters: PubMed 9829910; PubMed 16114042; PubMed 21309039; PubMed 31591157.

NM_000548.5(TSC2):c.5220dup (p.Ile1741fs)

Gene: TSC2 (TSC complex subunit 2; plus strand). Cytogenetic location: 16p13.3.
Variant type: Duplication.
Coding change: c.5220dup on transcript NM_000548.5 (MANE Select); coding-DNA position 5220, one base duplicated (G; older notation c.5220dupG).
Protein change: p.Ile1741fs; shifts the reading frame from isoleucine 1741.
Molecular consequence: frameshift variant. On other transcripts: non-coding transcript variant (5).
Genome position (GRCh38, 1-based): chr16:2,088,286, G duplicated; the last of 2 consecutive G bases (chr16:2,088,285-2,088,286); duplicating either gives the same sequence. VCF-style (leftmost placement, unchanged base first): chr16-2088284-T-TG. GRCh37 (hg19) VCF-style: chr16-2138285-T-TG.
Other names: c.4560dup, p.Ile1521fs (NM_001406681.1); c.4551dup, p.Ile1518fs (NM_001406682.1, NM_001406683.1); c.4548dup, p.Ile1517fs (NM_001406684.1); c.4422dup, p.Ile1475fs (NM_001406685.1, NM_001406686.1); c.4419dup, p.Ile1474fs (NM_001406687.1, NM_001406688.1); c.5019dup, p.Ile1674fs (NM_001077183.3); c.5151dup, p.Ile1718fs (NM_001114382.3); c.4911dup, p.Ile1638fs (NM_001318827.2); and 27 more; short protein forms I1226fs, I1637fs, I1638fs, I1674fs, I1675fs, I1685fs, I1697fs, I1715fs.
Identifiers: ClinVar variation 2760171 (VCV002760171.3), dbSNP rs2544496983, ClinGen allele CA2697549442.